The following is an entry in ClinVar:

NM_173543.3(DZIP1L):c.1401C>T (p.Leu467=)

Gene: DZIP1L (DAZ interacting zinc finger protein 1 like; minus strand). Cytogenetic location: 3q22.3.
Variant type: single nucleotide variant.
Coding change: c.1401C>T on transcript NM_173543.3 (MANE Select); coding-DNA position 1401, C replaced by T.
Protein change: p.Leu467=; no amino-acid change (leucine 467 retained).
Molecular consequence: synonymous variant.
Genome position (GRCh38, 1-based): chr3:138,077,520, G>A on the plus strand (C>T on the coding strand, the complement: DZIP1L is on the minus strand). VCF-style: chr3-138077520-G-A. GRCh37 (hg19) VCF-style: chr3-137796362-G-A.
Other names: p.Leu467=; c.1401C>T, p.Leu467= (NM_001170538.1).
Identifiers: ClinVar variation 774171 (VCV000774171.44), dbSNP rs75242141, ClinGen allele CA2634931.
Genomic context (GRCh38, chr3:138,077,520, plus strand): 5'-GTAGGTATCAGCCCTTAAAACGATGGCCCTGAAACTCACCTTCCTTATCCCCATGCTTTC[G>A]AGCTTCTCTTCCAGGGTGTCCTCCAGGATTGGTCTGAAGTGCTTCAGCAAAGTGGGGTTA-3'
Protein context (NP_775814.2, residues 457-477): PILEDTLEEK[Leu467=]ESMGIRKDAK

ClinVar aggregate classification (germline): Benign/Likely benign. Review status: criteria provided, multiple submitters, no conflicts (2 of 4 stars). 6 submissions from 6 submitters: Benign (3); Likely benign (2). 1 of the submissions does not count toward it. Last evaluated 2026-01-19.

Conditions:
DZIP1L-related disorder. Also called: DZIP1L-related condition.

Allele frequency attached by ClinVar (database versions not stated): 1000 Genomes Project 0.00180; 1000 Genomes Project 30x 0.00203; ESP Exome Variant Server 0.00338; ExAC 0.00357; TOPMed 0.00374; gnomAD exomes 0.00377; gnomAD 0.00393 and 0.00398.
gnomAD v4.1: 5,679 of 1,614,086 alleles (0.35%); highest among the groups gnomAD compares: Middle Eastern, 0.64%; 17 homozygotes.

Submissions (6):

Labcorp Genetics (formerly Invitae), Labcorp
Classification: Benign. Last evaluated: 2026-01-19. Review status: criteria provided, single submitter. Criteria: Invitae Variant Classification Sherloc (09022015). Collection method: clinical testing. Allele origin: germline.

Mayo Clinic Laboratories, Mayo Clinic
Classification: Benign. Last evaluated: 2025-10-23. Review status: criteria provided, single submitter. Criteria: ACMG Guidelines, 2015. Collection method: clinical testing. Allele origin: germline. Observed: 2 variant alleles.
Comment: BS1, BS2, BP4, BP7

CeGaT Center for Human Genetics Tuebingen
Classification: Likely benign. Last evaluated: 2025-08-01. Review status: criteria provided, single submitter. Criteria: CeGaT Center For Human Genetics Tuebingen Variant Classification Criteria Version 2. Collection method: clinical testing. Allele origin: germline. Affected: yes. Observed: 8 variant alleles.
Comment: DZIP1L: BP4, BP7, BS2

Blueprint Genetics
Classification: Likely benign. Last evaluated: 2024-11-26. Review status: criteria provided, single submitter. Criteria: ACMG Guidelines, 2015. Collection method: clinical testing. Allele origin: germline.

Breakthrough Genomics
Classification: Benign. Review status: criteria provided, single submitter. Criteria: ACMG Guidelines, 2015. Collection method: not provided. Allele origin: germline. Inheritance: Autosomal recessive inheritance. Affected: yes.

PreventionGenetics, part of Exact Sciences
Classification: Likely benign for DZIP1L-related condition. Last evaluated: 2019-05-22. Review status: no assertion criteria provided. Collection method: clinical testing. Allele origin: germline. Not counted in ClinVar's aggregate classification.
Comment: This variant is classified as likely benign based on ACMG/AMP sequence variant interpretation guidelines (Richards et al. 2015 PMID: 25741868, with internal and published modifications).